The following is an entry in ClinVar:

ClinVar aggregate classification (germline): Benign/Likely benign. Review status: criteria provided, multiple submitters, no conflicts (2 of 4 stars). 2 submissions from 2 submitters: Benign (1); Likely benign (1). Last evaluated 2024-07-12.

Conditions:
Charcot-Marie-Tooth disease axonal type 2N (CMT2N). Also called: Charcot-Marie-Tooth Neuropathy Type 2N; CHARCOT-MARIE-TOOTH DISEASE, AXONAL, AUTOSOMAL DOMINANT, TYPE 2N; CHARCOT-MARIE-TOOTH NEUROPATHY, AXONAL, TYPE 2N. Identifiers: Orphanet 228174, MedGen C2750090, MONDO:0013212, OMIM 613287.
Charcot-Marie-Tooth disease type 2. Also called: Charcot-Marie-Tooth type 2. Identifiers: Orphanet 64746, MedGen C0270914, MONDO:0018993.

Allele frequency attached by ClinVar (database versions not stated): gnomAD 0.00001 and 0.00004; ExAC 0.00011; gnomAD exomes 0.00012 and 0.00009; 1000 Genomes Project 30x 0.00016; 1000 Genomes Project 0.00020; TOPMed 0.00005.
gnomAD v4.1: 136 of 1,614,194 alleles (0.0084%); highest among the groups gnomAD compares: East Asian, 0.3%; no homozygotes.

Submissions (2):

Labcorp Genetics (formerly Invitae), Labcorp
Classification: Benign for Charcot-Marie-Tooth disease type 2. Last evaluated: 2024-07-12. Review status: criteria provided, single submitter. Criteria: Invitae Variant Classification Sherloc (09022015). Collection method: clinical testing. Allele origin: germline.

Illumina Laboratory Services, Illumina
Classification: Likely benign for Charcot-Marie-Tooth disease axonal type 2N. Last evaluated: 2018-01-12. Review status: criteria provided, single submitter. Criteria: ICSL Variant Classification Criteria 13 December 2019. Collection method: clinical testing. Allele origin: germline.
Comment: This variant was observed in the ICSL laboratory as part of a predisposition screen in an ostensibly healthy population. It had not been previously curated by ICSL or reported in the Human Gene Mutation Database (HGMD: prior to June 1st, 2018), and was therefore a candidate for classification through an automated scoring system. Utilizing variant allele frequency, disease prevalence and penetrance estimates, and inheritance mode, an automated score was calculated to assess if this variant is too frequent to cause the disease. Based on the score and internal cut-off values, a variant classified as likely benign is not then subjected to further curation. The score for this variant resulted in a classification of likely benign for this disease.

NM_001605.3(AARS1):c.1656T>C (p.Asp552=)

Gene: AARS1 (alanyl-tRNA synthetase 1; minus strand). Cytogenetic location: 16q22.1.
Variant type: single nucleotide variant.
Coding change: c.1656T>C on transcript NM_001605.3 (MANE Select); coding-DNA position 1656, T replaced by C.
Protein change: p.Asp552=; no amino-acid change (aspartic acid 552 retained).
Molecular consequence: synonymous variant.
Genome position (GRCh38, 1-based): chr16:70,262,361, A>G on the plus strand (T>C on the coding strand, the complement: AARS1 is on the minus strand). VCF-style: chr16-70262361-A-G. GRCh37 (hg19) VCF-style: chr16-70296264-A-G.
Identifiers: ClinVar variation 884280 (VCV000884280.12), dbSNP rs148659998, ClinGen allele CA8140740.